The following is an entry in ClinVar:

ClinVar aggregate classification (germline): Uncertain significance (1 of 4 stars; one submission).

Conditions:
Intellectual developmental disorder, X-linked 106. Also called: Mental retardation, X-linked 106; Intellectual disability, X-linked 106. Identifiers: MedGen C4478379, MONDO:0030907, OMIM 300997.

Submission:

Juno Genomics, Hangzhou Juno Genomics, Inc
Classification: Uncertain significance for Intellectual developmental disorder, X-linked 106. Review status: criteria provided, single submitter. Criteria: ACMG Guidelines, 2015. Collection method: clinical testing. Allele origin: germline. Affected: yes.
Comment: Absent from controls (or at extremely low frequency if recessive) in Genome Aggregation Database, Exome Sequencing Project, 1000 Genomes Project, or Exome Aggregation Consortium.;Multiple lines of computational evidence support a deleterious effect on the gene or gene product (conservation, evolutionary, splicing impact, etc).

NM_181672.3(OGT):c.1969C>G (p.Pro657Ala)

Gene: OGT (O-linked N-acetylglucosamine (GlcNAc) transferase; plus strand). Cytogenetic location: Xq13.1.
Variant type: single nucleotide variant.
Coding change: c.1969C>G on transcript NM_181672.3 (MANE Select); coding-DNA position 1969, C replaced by G.
Protein change: p.Pro657Ala; replaces proline 657 with alanine.
Molecular consequence: missense variant.
Genome position (GRCh38, 1-based): chrX:71,561,892, C>G. VCF-style: chrX-71561892-C-G. GRCh37 (hg19) VCF-style: chrX-70781742-C-G.
Other names: c.1939C>G, p.Pro647Ala (NM_181673.3); short protein forms P647A, P657A.
Identifiers: ClinVar variation 3382475 (VCV003382475.2).